The following is an entry in ClinVar:

ClinVar aggregate classification (germline): Uncertain significance. Review status: criteria provided, multiple submitters, no conflicts (2 of 4 stars). 2 submissions from 2 submitters: Uncertain significance (2). Last evaluated 2022-12-04.

Conditions:
Cardiovascular phenotype. Identifiers: MedGen CN230736.
Hypertrophic cardiomyopathy 13. Also called: TNNC1-Related Familial Hypertrophic Cardiomyopathy. Identifiers: MedGen C2750472, MONDO:0013195, OMIM 613243.
Dilated cardiomyopathy 1Z (CMD1Z). Identifiers: Orphanet 154, MedGen C2678475, MONDO:0012745, OMIM 611879.

Submissions (2):

Labcorp Genetics (formerly Invitae), Labcorp
Classification: Uncertain significance for Hypertrophic cardiomyopathy 13; Dilated cardiomyopathy 1Z. Last evaluated: 2022-12-04. Review status: criteria provided, single submitter. Criteria: Invitae Variant Classification Sherloc (09022015). Collection method: clinical testing. Allele origin: germline.
Comment: Algorithms developed to predict the effect of missense changes on protein structure and function are either unavailable or do not agree on the potential impact of this missense change (SIFT: "Tolerated"; PolyPhen-2: "Probably Damaging"; Align-GVGD: "Class C0"). In summary, the available evidence is currently insufficient to determine the role of this variant in disease. Therefore, it has been classified as a Variant of Uncertain Significance. This variant has not been reported in the literature in individuals affected with TNNC1-related conditions. This sequence change replaces alanine, which is neutral and non-polar, with valine, which is neutral and non-polar, at codon 22 of the TNNC1 protein (p.Ala22Val). This variant is not present in population databases (gnomAD no frequency).

Ambry Genetics
Classification: Uncertain significance for Cardiovascular phenotype. Last evaluated: 2018-03-06. Review status: criteria provided, single submitter. Criteria: Ambry Variant Classification Scheme 2023. Collection method: clinical testing. Allele origin: germline.
Comment: The p.A22V variant (also known as c.65C>T), located in coding exon 3 of the TNNC1 gene, results from a C to T substitution at nucleotide position 65. The alanine at codon 22 is replaced by valine, an amino acid with similar properties. This amino acid position is highly conserved in available vertebrate species. In addition, this alteration is predicted to be deleterious by in silico analysis. Since supporting evidence is limited at this time, the clinical significance of this alteration remains unclear.

NM_003280.3(TNNC1):c.65C>T (p.Ala22Val)

Gene: TNNC1 (troponin C1, slow skeletal and cardiac type; minus strand). Cytogenetic location: 3p21.1.
Variant type: single nucleotide variant.
Coding change: c.65C>T on transcript NM_003280.3 (MANE Select); coding-DNA position 65, C replaced by T.
Protein change: p.Ala22Val; replaces alanine 22 with valine.
Molecular consequence: missense variant.
Genome position (GRCh38, 1-based): chr3:52,452,243, G>A on the plus strand (C>T on the coding strand, the complement: TNNC1 is on the minus strand). VCF-style: chr3-52452243-G-A. GRCh37 (hg19) VCF-style: chr3-52486259-G-A.
Other names: short protein forms A22V.
Identifiers: ClinVar variation 1754405 (VCV001754405.4), dbSNP rs2471444718, ClinGen allele CA353169611.